The following is an entry in ClinVar:

NM_000059.4(BRCA2):c.9463_9467delinsGAATGATC (p.Phe3155_Gln3156delinsGluTer)

Gene: BRCA2 (BRCA2 DNA repair associated; plus strand). Cytogenetic location: 13q13.1.
Variant type: Indel.
Coding change: c.9463_9467delinsGAATGATC on transcript NM_000059.4 (MANE Select); coding-DNA positions 9463 to 9467, TTTCA replaced by GAATGATC.
Protein change: p.Phe3155_Gln3156delinsGluTer.
Molecular consequence: nonsense.
Genome position (GRCh38, 1-based): chr13:32,394,895-32,394,899, TTTCA replaced by GAATGATC. VCF-style: chr13-32394895-TTTCA-GAATGATC. GRCh37 (hg19) VCF-style: chr13-32969032-TTTCA-GAATGATC.
Other names: 9691-9695del5ins8; c.9463_9467delTTTCAinsGAATGATC (NM_000059.3).
Identifiers: ClinVar variation 52843 (VCV000052843.7), dbSNP rs397508053, ClinGen allele CA026169.

ClinVar aggregate classification (germline): Pathogenic. Review status: reviewed by expert panel (3 of 4 stars). 2 submissions from 2 submitters: Pathogenic (1). 1 of the submissions does not count toward it. Last evaluated 2016-10-18.

Conditions:
Breast-ovarian cancer, familial, susceptibility to, 2 (BROVCA2). Also called: BRCA2 Hereditary Breast and Ovarian Cancer. Identifiers: Orphanet 145, MedGen C2675520, MONDO:0012933, OMIM 612555. Disease mechanism: loss of function.

Submissions (2):

Evidence-based Network for the Interpretation of Germline Mutant Alleles (ENIGMA)
Classification: Pathogenic for Breast-ovarian cancer, familial, susceptibility to, 2. Last evaluated: 2016-10-18. Review status: reviewed by expert panel. Criteria: ENIGMA BRCA1/2 Classification Criteria (2015). Collection method: curation. Allele origin: germline.
Comment: Variant allele predicted to encode a truncated non-functional protein.

Consortium of Investigators of Modifiers of BRCA1/2 (CIMBA), c/o University of Cambridge
Classification: Pathogenic for Breast-ovarian cancer, familial, susceptibility to, 2. Last evaluated: 2015-10-02. Review status: criteria provided, single submitter. Criteria: CIMBA Mutation Classification guidelines May 2016. Collection method: clinical testing. Allele origin: germline. Not counted in ClinVar's aggregate classification.